The following is an entry in ClinVar:

NM_001709.5(BDNF):c.114G>A (p.Arg38=)

Genes: BDNF (brain derived neurotrophic factor; minus strand), BDNF-AS (BDNF antisense RNA; plus strand). Cytogenetic location: 11p14.1.
Variant type: single nucleotide variant.
Coding change: c.114G>A on transcript NM_001709.5 (MANE Select); coding-DNA position 114, G replaced by A.
Protein change: p.Arg38=; no amino-acid change (arginine 38 retained).
Molecular consequence: synonymous variant. On other transcripts: non-coding transcript variant (5).
Genome position (GRCh38, 1-based): chr11:27,658,451, C>T on the plus strand (G>A on the coding strand, the complement: BDNF is on the minus strand). VCF-style: chr11-27658451-C-T. GRCh37 (hg19) VCF-style: chr11-27679998-C-T.
Other names: c.114G>A, p.Arg38= (NM_001143805.1, NM_001143806.1, NM_001143807.2 and 9 more transcripts); c.201G>A, p.Arg67= (NM_001143809.2); c.360G>A, p.Arg120= (NM_001143810.2); c.138G>A, p.Arg46= (NM_170731.5); c.159G>A, p.Arg53= (NM_170734.4).
Identifiers: ClinVar variation 5002099 (VCV005002099.1).

ClinVar aggregate classification (germline): Likely benign (1 of 4 stars; one submission).

Conditions:
BDNF-related disorder. Also called: BDNF-related condition.

gnomAD v4.1: 1 of 1,614,164 alleles (0.000062%); highest among the groups gnomAD compares: Non-Finnish European, 0.000085%; no homozygotes.

Submission:

PreventionGenetics, part of Exact Sciences
Classification: Likely benign for BDNF-related condition. Last evaluated: 2026-03-24. Review status: criteria provided, single submitter. Criteria: ACMG Guidelines, 2015. Collection method: clinical testing. Allele origin: germline.
Comment: This variant is classified as likely benign based on ACMG/AMP sequence variant interpretation guidelines (Richards et al. 2015 PMID: 25741868, with internal and published modifications).